The following is an entry in ClinVar:

NM_004260.4(RECQL4):c.2994G>A (p.Trp998Ter)

Gene: RECQL4 (RecQ like helicase 4; minus strand). Cytogenetic location: 8q24.3.
Variant type: single nucleotide variant.
Coding change: c.2994G>A on transcript NM_004260.4 (MANE Select); coding-DNA position 2994, G replaced by A.
Protein change: p.Trp998Ter; replaces tryptophan 998 with a stop codon.
Molecular consequence: nonsense. On other transcripts: non-coding transcript variant (3).
Genome position (GRCh38, 1-based): chr8:144,512,453, C>T on the plus strand (G>A on the coding strand, the complement: RECQL4 is on the minus strand). VCF-style: chr8-144512453-C-T. GRCh37 (hg19) VCF-style: chr8-145737836-C-T.
Other names: c.2700G>A, p.Trp900Ter (NM_001413017.1); c.2796G>A, p.Trp932Ter (NM_001413018.1); c.3069G>A, p.Trp1023Ter (NM_001413019.1); c.2898G>A, p.Trp966Ter (NM_001413020.1); c.1923G>A, p.Trp641Ter (NM_001413021.1, NM_001413022.1, NM_001413024.1 and 4 more transcripts); c.1998G>A, p.Trp666Ter (NM_001413023.1); c.2865G>A, p.Trp955Ter (NM_001413025.1); c.1857G>A, p.Trp619Ter (NM_001413027.1, NM_001413030.1, NM_001413032.1); and 9 more; short protein forms W509*, W575*, W619*, W631*, W641*, W881*, W988*, W998*.
Identifiers: ClinVar variation 3682047 (VCV003682047.2).

ClinVar aggregate classification (germline): Pathogenic (1 of 4 stars; one submission).

Conditions:
Baller-Gerold syndrome (BGS). Also called: CRANIOSYNOSTOSIS WITH RADIAL DEFECTS. Identifiers: Orphanet 1225, MedGen C0265308, MONDO:0009039, OMIM 218600.

gnomAD v4.1: 1 of 1,611,714 alleles (0.000062%); highest among the groups gnomAD compares: Non-Finnish European, 0.000085%; no homozygotes.

Submission:

Labcorp Genetics (formerly Invitae), Labcorp
Classification: Pathogenic for Baller-Gerold syndrome. Last evaluated: 2024-07-02. Review status: criteria provided, single submitter. Criteria: Invitae Variant Classification Sherloc (09022015). Collection method: clinical testing. Allele origin: germline.
Comment: This sequence change creates a premature translational stop signal (p.Trp998*) in the RECQL4 gene. It is expected to result in an absent or disrupted protein product. Loss-of-function variants in RECQL4 are known to be pathogenic (PMID: 12734318, 12952869). The frequency data for this variant in the population databases is considered unreliable, as metrics indicate poor data quality at this position in the gnomAD database. This variant has not been reported in the literature in individuals affected with RECQL4-related conditions. Algorithms developed to predict the effect of sequence changes on RNA splicing suggest that this variant may disrupt the consensus splice site. For these reasons, this variant has been classified as Pathogenic.

Literature cited by the submitters: PubMed 12734318; PubMed 12952869.